The following is an entry in ClinVar:

NM_006231.4(POLE):c.4750C>T (p.Leu1584Phe)

Gene: POLE (DNA polymerase epsilon, catalytic subunit; minus strand). Cytogenetic location: 12q24.33.
Variant type: single nucleotide variant.
Coding change: c.4750C>T on transcript NM_006231.4 (MANE Select); coding-DNA position 4750, C replaced by T.
Protein change: p.Leu1584Phe; replaces leucine 1584 with phenylalanine.
Molecular consequence: missense variant.
Genome position (GRCh38, 1-based): chr12:132,642,708, G>A on the plus strand (C>T on the coding strand, the complement: POLE is on the minus strand). VCF-style: chr12-132642708-G-A. GRCh37 (hg19) VCF-style: chr12-133219294-G-A.
Other names: c.4750C>T (NM_006231.2); short protein forms L1584F.
Identifiers: ClinVar variation 2008184 (VCV002008184.5), dbSNP rs1463404681, ClinGen allele CA387378512.

ClinVar aggregate classification (germline): Uncertain significance. Review status: criteria provided, multiple submitters, no conflicts (2 of 4 stars). 2 submissions from 2 submitters: Uncertain significance (2). Last evaluated 2024-12-14.

Conditions:
Hereditary cancer-predisposing syndrome. Also called: Tumor predisposition; Neoplastic Syndromes, Hereditary; Hereditary Cancer Syndrome; Hereditary neoplastic syndrome. Identifiers: Orphanet 140162, MedGen C0027672, MeSH D009386, MONDO:0015356.

Submissions (2):

Ambry Genetics
Classification: Uncertain significance for Hereditary cancer-predisposing syndrome. Last evaluated: 2024-12-14. Review status: criteria provided, single submitter. Criteria: Ambry Variant Classification Scheme 2023. Collection method: clinical testing. Allele origin: germline.
Comment: The p.L1584F variant (also known as c.4750C>T), located in coding exon 37 of the POLE gene, results from a C to T substitution at nucleotide position 4750. The leucine at codon 1584 is replaced by phenylalanine, an amino acid with highly similar properties. This amino acid position is conserved. In addition, this alteration is predicted to be tolerated by in silico analysis. Based on the available evidence, the clinical significance of this variant remains unclear.

Labcorp Genetics (formerly Invitae), Labcorp
Classification: Uncertain significance. Last evaluated: 2024-03-04. Review status: criteria provided, single submitter. Criteria: Invitae Variant Classification Sherloc (09022015). Collection method: clinical testing. Allele origin: germline.
Comment: This sequence change replaces leucine, which is neutral and non-polar, with phenylalanine, which is neutral and non-polar, at codon 1584 of the POLE protein (p.Leu1584Phe). This variant is not present in population databases (gnomAD no frequency). This variant has not been reported in the literature in individuals affected with POLE-related conditions. ClinVar contains an entry for this variant (Variation ID: 2008184). Advanced modeling of protein sequence and biophysical properties (such as structural, functional, and spatial information, amino acid conservation, physicochemical variation, residue mobility, and thermodynamic stability) performed at Invitae indicates that this missense variant is not expected to disrupt POLE protein function with a negative predictive value of 80%. In summary, the available evidence is currently insufficient to determine the role of this variant in disease. Therefore, it has been classified as a Variant of Uncertain Significance.